The following is an entry in ClinVar:

NM_000063.6(C2):c.1531G>A (p.Asp511Asn)

Gene: C2 (complement C2; plus strand). Cytogenetic location: 6p21.33.
Variant type: single nucleotide variant.
Coding change: c.1531G>A on transcript NM_000063.6 (MANE Select); coding-DNA position 1531, G replaced by A.
Protein change: p.Asp511Asn; replaces aspartic acid 511 with asparagine.
Molecular consequence: missense variant.
Genome position (GRCh38, 1-based): chr6:31,943,491, G>A. VCF-style: chr6-31943491-G-A. GRCh37 (hg19) VCF-style: chr6-31911268-G-A.
Other names: c.1135G>A, p.Asp379Asn (NM_001145903.3); c.889G>A, p.Asp297Asn (NM_001178063.3); c.793G>A, p.Asp265Asn (NM_001282457.2); c.1444G>A, p.Asp482Asn (NM_001282458.2); short protein forms D265N, D297N, D482N, D511N, D379N.
Identifiers: ClinVar variation 2055729 (VCV002055729.1), dbSNP rs142802105, ClinGen allele CA3727730.
Genomic context (GRCh38, chr6:31,943,491, plus strand): 5'-ACCTGCCGGGGGGCCCTCATCTCCGACCAATGGGTCCTGACAGCAGCTCATTGCTTCCGC[G>A]ATGGCAACGACCACTCCCTGTGGAGGGTCAATGTGGGTAAGGCAGGGGATGCACCAGCCT-3'
Protein context (NP_000054.2, residues 501-521): WVLTAAHCFR[Asp511Asn]GNDHSLWRVN

ClinVar aggregate classification (germline): Uncertain significance (1 of 4 stars; one submission).

Allele frequency attached by ClinVar (database versions not stated): gnomAD exomes 0.00009; ExAC 0.00016; ESP Exome Variant Server 0.00047; gnomAD 0.00056; 1000 Genomes Project 0.00060; TOPMed 0.00060; 1000 Genomes Project 30x 0.00094.

Submission:

Labcorp Genetics (formerly Invitae), Labcorp
Classification: Uncertain significance. Last evaluated: 2022-08-21. Review status: criteria provided, single submitter. Criteria: Invitae Variant Classification Sherloc (09022015). Collection method: clinical testing. Allele origin: germline.
Comment: This sequence change replaces aspartic acid, which is acidic and polar, with asparagine, which is neutral and polar, at codon 511 of the C2 protein (p.Asp511Asn). This variant is present in population databases (rs142802105, gnomAD 0.2%). This missense change has been observed in individual(s) with atypical hemolytic uremic syndrome (PMID: 32113979). Algorithms developed to predict the effect of missense changes on protein structure and function output the following: SIFT: "Tolerated"; PolyPhen-2: "Benign"; Align-GVGD: "Class C0". The asparagine amino acid residue is found in multiple mammalian species, which suggests that this missense change does not adversely affect protein function. Experimental studies are conflicting or provide insufficient evidence to determine the effect of this variant on C2 function (PMID: 32113979). In summary, the available evidence is currently insufficient to determine the role of this variant in disease. Therefore, it has been classified as a Variant of Uncertain Significance.

Literature cited by the submitters: PubMed 32113979.